The following is an entry in ClinVar:

ClinVar aggregate classification (germline): Uncertain significance (1 of 4 stars; one submission).

Conditions:
Bethlem myopathy 1A. Also called: Bethlem myopathy 1; Bethlem Muscular Dystrophy; MYOPATHY, BENIGN CONGENITAL, WITH CONTRACTURES. Identifiers: Orphanet 610, MedGen CN029274, MONDO:0024530, OMIM 158810.

Allele frequency attached by ClinVar (database versions not stated): gnomAD exomes below 0.00001.
gnomAD v4.1: 3 of 1,602,114 alleles (0.00019%); highest among the groups gnomAD compares: Non-Finnish European, 0.00025%; no homozygotes.

Submission:

Labcorp Genetics (formerly Invitae), Labcorp
Classification: Uncertain significance for Bethlem myopathy 1A. Last evaluated: 2023-01-17. Review status: criteria provided, single submitter. Criteria: Invitae Variant Classification Sherloc (09022015). Collection method: clinical testing. Allele origin: germline.
Comment: This sequence change replaces lysine, which is basic and polar, with arginine, which is basic and polar, at codon 692 of the COL6A1 protein (p.Lys692Arg). In summary, the available evidence is currently insufficient to determine the role of this variant in disease. Therefore, it has been classified as a Variant of Uncertain Significance. Advanced modeling of protein sequence and biophysical properties (such as structural, functional, and spatial information, amino acid conservation, physicochemical variation, residue mobility, and thermodynamic stability) performed at Invitae indicates that this missense variant is not expected to disrupt COL6A1 protein function. ClinVar contains an entry for this variant (Variation ID: 1501715). This variant has not been reported in the literature in individuals affected with COL6A1-related conditions. This variant is not present in population databases (gnomAD no frequency).

NM_001848.3(COL6A1):c.2075A>G (p.Lys692Arg)

Gene: COL6A1 (collagen type VI alpha 1 chain; plus strand). Cytogenetic location: 21q22.3.
Variant type: single nucleotide variant.
Coding change: c.2075A>G on transcript NM_001848.3 (MANE Select); coding-DNA position 2075, A replaced by G.
Protein change: p.Lys692Arg; replaces lysine 692 with arginine.
Molecular consequence: missense variant.
Genome position (GRCh38, 1-based): chr21:46,002,226, A>G. VCF-style: chr21-46002226-A-G. GRCh37 (hg19) VCF-style: chr21-47422140-A-G.
Other names: short protein forms K692R.
Identifiers: ClinVar variation 1501715 (VCV001501715.8), dbSNP rs2123490353, ClinGen allele CA410535298.
Genomic context (GRCh38, chr21:46,002,226, plus strand): 5'-GCCCCGCGGCAGGCCTGGCCCCAACCGGCCCTTCCTGCCCTTTGCTATGCAGAGCCATCA[A>G]GAGCCTGCAGTGGATGGCGGGCGGCACCTTCACGGGGGAGGCCCTGCAGTACACGCGGGA-3'
Protein context (NP_001839.2, residues 682-702): RNVQELKEAI[Lys692Arg]SLQWMAGGTF